The following is an entry in ClinVar:

ClinVar aggregate classification (germline): Benign/Likely benign. Review status: criteria provided, multiple submitters, no conflicts (2 of 4 stars). 4 submissions from 4 submitters: Benign (1); Likely benign (2). 1 of the submissions does not count toward it. Last evaluated 2025-12-01.

Conditions:
KMT2D-related disorder. Also called: KMT2D-Related Disorders.
Kabuki syndrome. Also called: Kabuki make-up syndrome; NIIKAWA-KUROKI SYNDROME. Identifiers: Orphanet 2322, MedGen C0796004, MONDO:0016512.

Allele frequency attached by ClinVar (database versions not stated): gnomAD below 0.00001 and 0.00002; gnomAD exomes 0.00005 and 0.00011; ExAC 0.00012.
gnomAD v4.1: 74 of 1,602,136 alleles (0.0046%); highest among the groups gnomAD compares: South Asian, 0.066%; no homozygotes.

Submissions (4):

CeGaT Center for Human Genetics Tuebingen
Classification: Likely benign. Last evaluated: 2025-12-01. Review status: criteria provided, single submitter. Criteria: CeGaT Center For Human Genetics Tuebingen Variant Classification Criteria Version 2. Collection method: clinical testing. Allele origin: germline. Affected: yes. Observed: 2 variant alleles.
Comment: KMT2D: BP4, BP7

Labcorp Genetics (formerly Invitae), Labcorp
Classification: Benign for Kabuki syndrome. Last evaluated: 2025-01-01. Review status: criteria provided, single submitter. Criteria: Invitae Variant Classification Sherloc (09022015). Collection method: clinical testing. Allele origin: germline.

Blueprint Genetics
Classification: Likely benign. Last evaluated: 2024-05-14. Review status: criteria provided, single submitter. Criteria: ACMG Guidelines, 2015. Collection method: clinical testing. Allele origin: germline.

PreventionGenetics, part of Exact Sciences
Classification: Likely benign for KMT2D-related condition. Last evaluated: 2024-02-29. Review status: no assertion criteria provided. Collection method: clinical testing. Allele origin: germline. Not counted in ClinVar's aggregate classification.
Comment: This variant is classified as likely benign based on ACMG/AMP sequence variant interpretation guidelines (Richards et al. 2015 PMID: 25741868, with internal and published modifications).

NM_003482.4(KMT2D):c.5982C>T (p.Asp1994=)

Gene: KMT2D (lysine methyltransferase 2D; minus strand). Cytogenetic location: 12q13.12.
Variant type: single nucleotide variant.
Coding change: c.5982C>T on transcript NM_003482.4 (MANE Select); coding-DNA position 5982, C replaced by T.
Protein change: p.Asp1994=; no amino-acid change (aspartic acid 1994 retained).
Molecular consequence: synonymous variant.
Genome position (GRCh38, 1-based): chr12:49,042,216, G>A on the plus strand (C>T on the coding strand, the complement: KMT2D is on the minus strand). VCF-style: chr12-49042216-G-A. GRCh37 (hg19) VCF-style: chr12-49435999-G-A.
Identifiers: ClinVar variation 740604 (VCV000740604.33), dbSNP rs767771980, ClinGen allele CA6547386.